The following is an entry in ClinVar:

ClinVar aggregate classification (germline): Pathogenic/Likely pathogenic. Review status: criteria provided, multiple submitters, no conflicts (2 of 4 stars). 11 submissions from 11 submitters: Pathogenic (8); Likely pathogenic (2). 1 of the submissions does not count toward it. Last evaluated 2026-08-15.

Conditions:
SPG11-related disorder. Also called: SPG11-related condition.
Charcot-Marie-Tooth disease axonal type 2X. Also called: CHARCOT-MARIE-TOOTH DISEASE, AXONAL, AUTOSOMAL RECESSIVE, TYPE 2X; CHARCOT-MARIE-TOOTH NEUROPATHY, TYPE 2X. Identifiers: Orphanet 466775, MedGen C5569024, MONDO:0014726, OMIM 616668.
Hereditary spastic paraplegia. Also called: Familial spastic paraparesis. Identifiers: Orphanet 685, MedGen C0037773, MONDO:0019064. Disease mechanism: loss of function.
Early-onset Parkinson disease 20. Also called: PARKINSON DISEASE 20, AUTOSOMAL RECESSIVE EARLY-ONSET. Identifiers: Orphanet 391411, MedGen C3809824, MONDO:0014233, OMIM 615530.
Hereditary spastic paraplegia 11. Also called: Nakamura Osame syndrome; Autosomal recessive hereditary spastic paraplegia, mental impairment, and thin corpus callosum; Spastic paraplegia, mental retardation and thin corpus callosum; SPASTIC PARAPLEGIA, AUTOSOMAL RECESSIVE, COMPLICATED, WITH THIN CORPUS CALLOSUM; SPASTIC PARAPLEGIA, AUTOSOMAL RECESSIVE, WITH MENTAL IMPAIRMENT AND THIN CORPUS CALLOSUM; Spastic Paraplegia 11. Identifiers: Orphanet 2822, MedGen C1858479, MONDO:0011445, OMIM 604360.
Amyotrophic lateral sclerosis type 5 (ALS5). Also called: AMYOTROPHIC LATERAL SCLEROSIS 5, JUVENILE. Identifiers: Orphanet 300605, MedGen C1865864, MONDO:0011196, OMIM 602099.

Allele frequency attached by ClinVar (database versions not stated): TOPMed 0.00002; gnomAD 0.00006; ESP Exome Variant Server 0.00008.
gnomAD v4.1: 46 of 1,613,934 alleles (0.0029%); highest among the groups gnomAD compares: Non-Finnish European, 0.0039%; no homozygotes.

Submissions (11):

PreventionGenetics, part of Exact Sciences
Classification: Pathogenic for SPG11-related condition. Last evaluated: 2026-08-15. Review status: criteria provided, single submitter. Criteria: ACMG Guidelines, 2015. Collection method: clinical testing. Allele origin: germline.
Comment: The SPG11 c.6598A>T variant is predicted to result in premature protein termination (p.Lys2200*). This variant was reported in the compound heterozygous state with another loss-of-function variant in two patients with autosomal recessive spastic paraplegia (Yoon et al. 2013. PubMed ID: 23733235; Carrasco Salas et al. 2022. PubMed ID: 33059505). This variant was also reported in the homozygous state in an individual with axonal Charcot-Marie-Tooth disease, type 2X (Supplementary Table S4, Laurie et al. 2025. PubMed ID: 39825153). This variant is reported in 0.0039% of alleles in individuals of European (Non-Finnish) descent in gnomAD. Nonsense variants in SPG11 are expected to be pathogenic. This variant is interpreted as pathogenic.

Labcorp Genetics (formerly Invitae), Labcorp
Classification: Pathogenic for Hereditary spastic paraplegia 11. Last evaluated: 2026-01-28. Review status: criteria provided, single submitter. Criteria: Invitae Variant Classification Sherloc (09022015). Collection method: clinical testing. Allele origin: germline.
Comment: This sequence change creates a premature translational stop signal (p.Lys2200*) in the SPG11 gene. It is expected to result in an absent or disrupted protein product. Loss-of-function variants in SPG11 are known to be pathogenic (PMID: 19105190, 20110243, 22154821, 26556829). This variant is present in population databases (rs141263564, gnomAD 0.003%). This premature translational stop signal has been observed in individual(s) with hereditary spastic paraplegia (PMID: 23733235). ClinVar contains an entry for this variant (Variation ID: 572602). For these reasons, this variant has been classified as Pathogenic.

GeneDx
Classification: Pathogenic. Last evaluated: 2024-09-26. Review status: criteria provided, single submitter. Criteria: GeneDx Variant Classification Process June 2021. Collection method: clinical testing. Allele origin: germline. Affected: yes.
Comment: Nonsense variant predicted to result in protein truncation or nonsense mediated decay in a gene for which loss of function is a known mechanism of disease; Not observed at significant frequency in large population cohorts (gnomAD); This variant is associated with the following publications: (PMID: 31589614, 23733235, 33059505)

Mayo Clinic Laboratories, Mayo Clinic
Classification: Pathogenic. Last evaluated: 2024-07-30. Review status: criteria provided, single submitter. Criteria: ACMG Guidelines, 2015. Collection method: clinical testing. Allele origin: germline. Observed: 1 variant allele.
Comment: PM2, PM3, PVS1

Fulgent Genetics
Classification: Likely pathogenic for Amyotrophic lateral sclerosis type 5; Hereditary spastic paraplegia 11; Charcot-Marie-Tooth disease axonal type 2X. Last evaluated: 2024-06-16. Review status: criteria provided, single submitter. Criteria: ACMG Guidelines, 2015. Collection method: clinical testing. Allele origin: germline.

Genetics and Molecular Pathology, SA Pathology
Classification: Pathogenic for Early-onset Parkinson disease 20. Last evaluated: 2023-02-15. Review status: criteria provided, single submitter. Criteria: ACMG Guidelines, 2015. Collection method: clinical testing. Allele origin: germline. Affected: yes.

Blueprint Genetics
Classification: Likely pathogenic for SPG11-related disorders. Last evaluated: 2022-07-05. Review status: criteria provided, single submitter. Criteria: ACMG Guidelines, 2015. Collection method: clinical testing. Allele origin: germline. Affected: yes. Observed: 4 variant alleles.

Genome Diagnostics Laboratory, The Hospital for Sick Children
Classification: Pathogenic for Hereditary spastic paraplegia. Last evaluated: 2016-12-12. Review status: criteria provided, single submitter. Criteria: ACMG Guidelines, 2015. Collection method: clinical testing. Allele origin: germline. Affected: yes.

Genome-Nilou Lab
Classification: Pathogenic for Hereditary spastic paraplegia 11. Review status: criteria provided, single submitter. Criteria: ACMG Guidelines, 2015. Collection method: clinical testing. Allele origin: germline.

Molecular Genetics Lab, CHRU Brest
Classification: Pathogenic for Charcot-Marie-Tooth disease axonal type 2X; Hereditary spastic paraplegia 11; Amyotrophic lateral sclerosis type 5. Review status: criteria provided, single submitter. Criteria: ACMG Guidelines, 2015. Collection method: clinical testing. Allele origin: maternal. Affected: yes.

Solve-RD Consortium
Classification: Likely pathogenic for Charcot-Marie-Tooth disease axonal type 2X. Last evaluated: 2022-06-01. Review status: no assertion criteria provided. Collection method: provider interpretation. Allele origin: inherited. Affected: yes. Not counted in ClinVar's aggregate classification.
Comment: Variant confirmed as disease-causing by referring clinical team

Variant identified during reanalysis of unsolved cases by the Solve-RD project. The Solve-RD project has received funding from the European Union’s Horizon 2020 research and innovation programme under grant agreement No 779257.

Literature cited by the submitters: PubMed 19105190 (cited by Labcorp Genetics (formerly Invitae), Labcorp); PubMed 20110243 (cited by Labcorp Genetics (formerly Invitae), Labcorp); PubMed 22154821 (cited by Labcorp Genetics (formerly Invitae), Labcorp); PubMed 26556829 (cited by Labcorp Genetics (formerly Invitae), Labcorp); PubMed 23733235 (cited by Labcorp Genetics (formerly Invitae), Labcorp and Mayo Clinic Laboratories, Mayo Clinic); PubMed 31589614 (cited by Mayo Clinic Laboratories, Mayo Clinic); PubMed 33059505 (cited by Mayo Clinic Laboratories, Mayo Clinic); PubMed 39825153 (cited by Solve-RD Consortium).

NM_025137.4(SPG11):c.6598A>T (p.Lys2200Ter)

Gene: SPG11 (SPG11 vesicle trafficking associated, spatacsin; minus strand). Cytogenetic location: 15q21.1.
Variant type: single nucleotide variant.
Coding change: c.6598A>T on transcript NM_025137.4 (MANE Select); coding-DNA position 6598, A replaced by T.
Protein change: p.Lys2200Ter; replaces lysine 2200 with a stop codon.
Molecular consequence: nonsense.
Genome position (GRCh38, 1-based): chr15:44,567,580, T>A on the plus strand (A>T on the coding strand, the complement: SPG11 is on the minus strand). VCF-style: chr15-44567580-T-A. GRCh37 (hg19) VCF-style: chr15-44859778-T-A.
Other names: p.Lys2200*; c.6259A>T, p.Lys2087Ter (NM_001160227.2); short protein forms K2200*, K2087*.
Identifiers: ClinVar variation 572602 (VCV000572602.26), dbSNP rs141263564, ClinGen allele CA7534064.